The following is an entry in ClinVar:

NM_001830.4(CLCN4):c.1909G>C (p.Val637Leu)

Gene: CLCN4 (Cl-/H+ antiporter 4; plus strand). Cytogenetic location: Xp22.2.
Variant type: single nucleotide variant.
Coding change: c.1909G>C on transcript NM_001830.4 (MANE Select); coding-DNA position 1909, G replaced by C.
Protein change: p.Val637Leu; replaces valine 637 with leucine.
Molecular consequence: missense variant.
Genome position (GRCh38, 1-based): chrX:10,214,013, G>C. VCF-style: chrX-10214013-G-C. GRCh37 (hg19) VCF-style: chrX-10182053-G-C.
Other names: c.1627G>C, p.Val543Leu (NM_001256944.2); short protein forms V543L, V637L.
Identifiers: ClinVar variation 1321251 (VCV001321251.1), dbSNP rs376523351, ClinGen allele CA10347311.

ClinVar aggregate classification (germline): Uncertain significance (1 of 4 stars; one submission).

Conditions:
Intellectual disability, X-linked 49 (MRXSRC). Also called: MENTAL RETARDATION, X-LINKED 15; CLCN4-Related Neurodevelopmental Disorder; MRX49; CLCN4-related X-linked intellectual disability syndrome; RAYNAUD-CLAES SYNDROME. Identifiers: Orphanet 485350, Orphanet 777, MedGen C0796221, MONDO:0010250, OMIM 300114.

Allele frequency attached by ClinVar (database versions not stated): ExAC 0.00001; gnomAD exomes 0.00001; ESP Exome Variant Server 0.00009.

Submission:

3billion
Classification: Uncertain significance for Intellectual disability, X-linked 49. Last evaluated: 2021-10-25. Review status: criteria provided, single submitter. Criteria: ACMG Guidelines, 2015. Collection method: clinical testing. Allele origin: maternal. Affected: yes. Observed: 1 hemizygote.
Comment: The variant is observed at an extremely low frequency in the gnomAD v2.1.1 dataset (total allele frequency: 0.000006, PM2). In silico tool predictions suggest damaging effect of the variant on gene or gene product (REVEL: 0.703, PP3).This variant is classified as uncertain significance according to the recommendation of ACMG/AMP guideline.